The following is an entry in ClinVar:

NM_001232.4(CASQ2):c.607-1G>T

Gene: CASQ2 (calsequestrin 2; minus strand). Cytogenetic location: 1p13.1.
Variant type: single nucleotide variant.
Coding change: c.607-1G>T on transcript NM_001232.4 (MANE Select); the canonical splice acceptor site of the intron before coding-DNA position 607, G replaced by T.
Molecular consequence: splice acceptor variant.
Genome position (GRCh38, 1-based): chr1:115,727,123, C>A on the plus strand (G>T on the coding strand, the complement: CASQ2 is on the minus strand). VCF-style: chr1-115727123-C-A. GRCh37 (hg19) VCF-style: chr1-116269744-C-A.
Identifiers: ClinVar variation 5005896 (VCV005005896.2).

ClinVar aggregate classification (germline): Likely pathogenic (1 of 4 stars; one submission).

Conditions:
Catecholaminergic polymorphic ventricular tachycardia 2. Also called: VENTRICULAR TACHYCARDIA, STRESS-INDUCED POLYMORPHIC 2; CASQ2-Related Catecholaminergic Polymorphic Ventricular Tachycardia. Identifiers: Orphanet 3286, MedGen C2677794, MONDO:0012762, OMIM 611938.

Submission:

Juno Genomics, Hangzhou Juno Genomics, Inc
Classification: Likely pathogenic for Catecholaminergic polymorphic ventricular tachycardia 2. Review status: criteria provided, single submitter. Criteria: ACMG Guidelines, 2015. Collection method: clinical testing. Allele origin: germline.
Comment: Absent from controls (or at extremely low frequency if recessive) in Genome Aggregation Database.;Null variant in a gene where loss of function (LOF) is a known mechanism of disease.